The following is an entry in ClinVar:

ClinVar aggregate classification (germline): Uncertain significance. Review status: criteria provided, multiple submitters, no conflicts (2 of 4 stars). 2 submissions from 2 submitters: Uncertain significance (2). Last evaluated 2025-05-21.

Conditions:
Neuropathy, hereditary sensory and autonomic, type 2A (HSAN2A). Also called: MORVAN DISEASE; NEUROPATHY, CONGENITAL SENSORY; NEUROPATHY, HEREDITARY SENSORY RADICULAR, AUTOSOMAL RECESSIVE; NEUROPATHY, HEREDITARY SENSORY, TYPE IIA; NEUROPATHY, PROGRESSIVE SENSORY, OF CHILDREN; WNK1-Related HSAN2 (HSAN2A). Identifiers: Orphanet 970, MedGen C2752089, MONDO:0024309, OMIM 201300.
Pseudohypoaldosteronism type 2C (PHA2C). Also called: Pseudohypoaldosteronism Type IIC. Identifiers: Orphanet 757, Orphanet 88940, MedGen C1840391, MONDO:0013778, OMIM 614492.

Allele frequency attached by ClinVar (database versions not stated): TOPMed below 0.00001; gnomAD 0.00001; gnomAD exomes 0.00001 and 0.00002; ExAC 0.00002.
gnomAD v4.1: 21 of 1,613,862 alleles (0.0013%); highest among the groups gnomAD compares: Non-Finnish European, 0.0018%; no homozygotes.

Submissions (2):

Labcorp Genetics (formerly Invitae), Labcorp
Classification: Uncertain significance for Neuropathy, hereditary sensory and autonomic, type 2A; Pseudohypoaldosteronism type 2C. Last evaluated: 2025-05-21. Review status: criteria provided, single submitter. Criteria: Invitae Variant Classification Sherloc (09022015). Collection method: clinical testing. Allele origin: germline.
Comment: This sequence change replaces serine, which is neutral and polar, with phenylalanine, which is neutral and non-polar, at codon 1015 of the WNK1 protein (p.Ser1015Phe). This variant is present in population databases (rs769973198, gnomAD 0.004%). This variant has not been reported in the literature in individuals affected with WNK1-related conditions. ClinVar contains an entry for this variant (Variation ID: 1062202). Invitae Evidence Modeling of protein sequence and biophysical properties (such as structural, functional, and spatial information, amino acid conservation, physicochemical variation, residue mobility, and thermodynamic stability) indicates that this missense variant is not expected to disrupt WNK1 protein function with a negative predictive value of 95%. In summary, the available evidence is currently insufficient to determine the role of this variant in disease. Therefore, it has been classified as a Variant of Uncertain Significance.

GeneDx
Classification: Uncertain significance. Last evaluated: 2022-01-18. Review status: criteria provided, single submitter. Criteria: GeneDx Variant Classification Process June 2021. Collection method: clinical testing. Allele origin: germline. Affected: yes.
Comment: In silico analysis supports that this missense variant does not alter protein structure/function; Has not been previously published as pathogenic or benign to our knowledge

NM_213655.5(WNK1):c.3044C>T (p.Ser1015Phe)

Gene: WNK1 (WNK lysine deficient protein kinase 1; plus strand). Cytogenetic location: 12p13.33.
Variant type: single nucleotide variant.
Coding change: c.3044C>T on transcript NM_213655.5 (MANE Plus Clinical); coding-DNA position 3044, C replaced by T.
Protein change: p.Ser1015Phe; replaces serine 1015 with phenylalanine.
Molecular consequence: missense variant. On other transcripts: intron variant (2).
Genome position (GRCh38, 1-based): chr12:868,515, C>T. VCF-style: chr12-868515-C-T. GRCh37 (hg19) VCF-style: chr12-977681-C-T.
Other names: c.2789C>T, p.Ser930Phe (NM_001184985.2); c.2140-2750C>T (NM_018979.4, NM_014823.3); short protein forms S1015F, S930F.
Identifiers: ClinVar variation 1062202 (VCV001062202.10), dbSNP rs769973198, ClinGen allele CA6382291.